The following is an entry in ClinVar:

ClinVar aggregate classification (germline): Uncertain significance (1 of 4 stars; one submission).

Conditions:
Intellectual disability. Also called: Intellectual functioning disability; Intellectual developmental disorder; intellectual disabilities. Identifiers: MedGen C3714756, MeSH D008607, MONDO:0001071, HP:0001249.

Submission:

Labcorp Genetics (formerly Invitae), Labcorp
Classification: Uncertain significance for Intellectual disability. Last evaluated: 2021-04-09. Review status: criteria provided, single submitter. Criteria: Invitae Variant Classification Sherloc (09022015). Collection method: clinical testing. Allele origin: germline.
Comment: In summary, the available evidence is currently insufficient to determine the role of this variant in disease. Therefore, it has been classified as a Variant of Uncertain Significance. Advanced modeling of protein sequence and biophysical properties (such as structural, functional, and spatial information, amino acid conservation, physicochemical variation, residue mobility, and thermodynamic stability) performed at Invitae indicates that this missense variant is expected to disrupt GABRB2 protein function. This sequence change replaces tyrosine with histidine at codon 229 of the GABRB2 protein (p.Tyr229His). The tyrosine residue is highly conserved and there is a moderate physicochemical difference between tyrosine and histidine. This variant is not present in population databases (ExAC no frequency). This variant has not been reported in the literature in individuals with GABRB2-related conditions.

NM_001371727.1(GABRB2):c.685T>C (p.Tyr229His)

Gene: GABRB2 (gamma-aminobutyric acid type A receptor subunit beta2; minus strand). Cytogenetic location: 5q34.
Variant type: single nucleotide variant.
Coding change: c.685T>C on transcript NM_001371727.1 (MANE Select); coding-DNA position 685, T replaced by C.
Protein change: p.Tyr229His; replaces tyrosine 229 with histidine.
Molecular consequence: missense variant.
Genome position (GRCh38, 1-based): chr5:161,334,899, A>G on the plus strand (T>C on the coding strand, the complement: GABRB2 is on the minus strand). VCF-style: chr5-161334899-A-G. GRCh37 (hg19) VCF-style: chr5-160761906-A-G.
Other names: c.685T>C, p.Tyr229His (NM_000813.3, NM_021911.3); short protein forms Y229H.
Identifiers: ClinVar variation 1524009 (VCV001524009.8), dbSNP rs2113405112, ClinGen allele CA362171802.